The following is an entry in ClinVar:

ClinVar aggregate classification (germline): Uncertain significance. Review status: criteria provided, multiple submitters, no conflicts (2 of 4 stars). 6 submissions from 6 submitters: Uncertain significance (6). Last evaluated 2025-08-07.

Conditions:
Hereditary cancer-predisposing syndrome. Also called: Hereditary neoplastic syndrome; Neoplastic Syndromes, Hereditary; Hereditary Cancer Syndrome; Tumor predisposition. Identifiers: Orphanet 140162, MedGen C0027672, MeSH D009386, MONDO:0015356.
Familial cancer of breast. Also called: Hereditary breast cancer; BREAST CANCER, FAMILIAL; hereditary breast carcinoma. Identifiers: Orphanet 227535, MedGen C0346153, MONDO:0016419, OMIM 114480. Disease mechanism: loss of function.

Allele frequency attached by ClinVar (database versions not stated): gnomAD exomes below 0.00001; ExAC 0.00001; gnomAD 0.00001; TOPMed 0.00001.
gnomAD v4.1: 1 of 1,609,642 alleles (0.000062%); highest among the groups gnomAD compares: African/African-American, 0.0013%; no homozygotes.

Submissions (6):

Labcorp Genetics (formerly Invitae), Labcorp
Classification: Uncertain significance for Familial cancer of breast. Last evaluated: 2025-08-07. Review status: criteria provided, single submitter. Criteria: Invitae Variant Classification Sherloc (09022015). Collection method: clinical testing. Allele origin: germline.
Comment: This sequence change replaces threonine, which is neutral and polar, with serine, which is neutral and polar, at codon 1042 of the PALB2 protein (p.Thr1042Ser). This variant is present in population databases (rs587780215, gnomAD 0.007%). This variant has not been reported in the literature in individuals affected with PALB2-related conditions. ClinVar contains an entry for this variant (Variation ID: 128137). Invitae Evidence Modeling of protein sequence and biophysical properties (such as structural, functional, and spatial information, amino acid conservation, physicochemical variation, residue mobility, and thermodynamic stability) indicates that this missense variant is not expected to disrupt PALB2 protein function with a negative predictive value of 80%. In summary, the available evidence is currently insufficient to determine the role of this variant in disease. Therefore, it has been classified as a Variant of Uncertain Significance.

Ambry Genetics
Classification: Uncertain significance for Hereditary cancer-predisposing syndrome. Last evaluated: 2025-04-28. Review status: criteria provided, single submitter. Criteria: Ambry Variant Classification Scheme 2023. Collection method: clinical testing. Allele origin: germline.
Comment: The p.T1042S variant (also known as c.3125C>G), located in coding exon 11 of the PALB2 gene, results from a C to G substitution at nucleotide position 3125. The threonine at codon 1042 is replaced by serine, an amino acid with similar properties. This amino acid position is well conserved in available vertebrate species. In addition, this alteration is predicted to be tolerated by in silico analysis. Since supporting evidence is limited at this time, the clinical significance of this alteration remains unclear.

Baylor Genetics
Classification: Uncertain significance for Familial cancer of breast. Last evaluated: 2024-02-29. Review status: criteria provided, single submitter. Criteria: ACMG Guidelines, 2015. Collection method: clinical testing. Allele origin: unknown.

Quest Diagnostics Nichols Institute San Juan Capistrano
Classification: Uncertain significance. Last evaluated: 2023-12-20. Review status: criteria provided, single submitter. Criteria: Quest Diagnostics criteria. Collection method: clinical testing. Allele origin: unknown.
Comment: The PALB2 c.3125C>G (p.Thr1042Ser) variant has not been reported in individuals with PALB2-related conditions in the published literature. The frequency of this variant in the general population, 0.000004 (1/250708 chromosomes (Genome Aggregation Database)), is uninformative in the assessment of its pathogenicity. Analysis of this variant using bioinformatics tools for the prediction of the effect of amino acid changes on protein structure and function yielded conflicting predictions that this variant is benign or damaging. Based on the available information, we are unable to determine the clinical significance of this variant.

GeneDx
Classification: Uncertain significance. Last evaluated: 2018-02-23. Review status: criteria provided, single submitter. Criteria: GeneDx Variant Classification (06012015). Collection method: clinical testing. Allele origin: germline. Affected: yes.
Comment: This variant is denoted PALB2 c.3125C>G at the cDNA level, p.Thr1042Ser (T1042S) at the protein level, and results in the change of a Threonine to a Serine (ACT>AGT). This variant has not, to our knowledge, been published in the literature as pathogenic or benign. PALB2 Thr1042Ser was not observed at a significant allele frequency in large population cohorts (Lek 2016). This variant is located within the WD4 repeat region and the region of interaction with BRCA2, RAD51, and POLH that is required for POLH DNA synthesis (Oliver 2009, Buisson 2010, Buisson 2014, UniProt). In silico analysis, which includes protein predictors and evolutionary conservation, supports a deleterious effect. Based on currently available evidence, it is unclear whether PALB2 Thr1042Ser is a pathogenic or benign variant. We consider it to be a variant of uncertain significance.

Women's Health and Genetics/Laboratory Corporation of America, LabCorp
Classification: Uncertain significance. Last evaluated: 2017-08-21. Review status: criteria provided, single submitter. Criteria: LabCorp Variant Classification Summary - May 2015. Collection method: clinical testing. Allele origin: germline.
Comment: Variant summary: The PALB2 c.3125C>G (p.Thr1042Ser) variant involves the alteration of a conserved nucleotide. 4/4 in silico tools predict a benign outcome for this variant . This variant was found in 1/109874 control chromosomes at a frequency of 0.0000091, which does not exceed the estimated maximal expected allele frequency of a pathogenic PALB2 variant (0.0001563). In addition, one clinical diagnostic laboratory has classified this variant as one of uncertain significance. The variant of interest has not, to our knowledge, been reported in affected individuals via publications nor evaluated for functional impact by in vivo/vitro studies. Because of the absence of clinical information and the lack of functional studies, the variant is classified as a variant of uncertain significance (VUS) until additional information becomes available.

NM_024675.4(PALB2):c.3125C>G (p.Thr1042Ser)

Gene: PALB2 (partner and localizer of BRCA2; minus strand). Cytogenetic location: 16p12.2.
Variant type: single nucleotide variant.
Coding change: c.3125C>G on transcript NM_024675.4 (MANE Select); coding-DNA position 3125, C replaced by G.
Protein change: p.Thr1042Ser; replaces threonine 1042 with serine.
Molecular consequence: missense variant.
Genome position (GRCh38, 1-based): chr16:23,614,080, G>C on the plus strand (C>G on the coding strand, the complement: PALB2 is on the minus strand). VCF-style: chr16-23614080-G-C. GRCh37 (hg19) VCF-style: chr16-23625401-G-C.
Other names: p.T1042S:ACT>AGT; short protein forms T1042S.
Identifiers: ClinVar variation 128137 (VCV000128137.17), dbSNP rs587780215, ClinGen allele CA288457.